The following is an entry in ClinVar:

ClinVar aggregate classification (germline): Uncertain significance (1 of 4 stars; one submission).

gnomAD v4.1: 42 of 1,612,402 alleles (0.0026%); highest among the groups gnomAD compares: Non-Finnish European, 0.0036%; no homozygotes.

Submission:

Labcorp Genetics (formerly Invitae), Labcorp
Classification: Uncertain significance. Last evaluated: 2025-09-23. Review status: criteria provided, single submitter. Criteria: Invitae Variant Classification Sherloc (09022015). Collection method: clinical testing. Allele origin: germline.
Comment: This sequence change replaces valine, which is neutral and non-polar, with leucine, which is neutral and non-polar, at codon 268 of the PACS2 protein (p.Val268Leu). This variant is present in population databases (rs782277649, gnomAD 0.0009%). This variant has not been reported in the literature in individuals affected with PACS2-related conditions. An algorithm developed to predict the effect of missense changes on protein structure and function (PolyPhen-2) suggests that this variant is likely to be disruptive. In summary, the available evidence is currently insufficient to determine the role of this variant in disease. Therefore, it has been classified as a Variant of Uncertain Significance.

NM_001100913.3(PACS2):c.802G>C (p.Val268Leu)

Gene: PACS2 (phosphofurin acidic cluster sorting protein 2; plus strand). Cytogenetic location: 14q32.33.
Variant type: single nucleotide variant.
Coding change: c.802G>C on transcript NM_001100913.3 (MANE Select); coding-DNA position 802, G replaced by C.
Protein change: p.Val268Leu; replaces valine 268 with leucine.
Molecular consequence: missense variant.
Genome position (GRCh38, 1-based): chr14:105,376,768, G>C. VCF-style: chr14-105376768-G-C. GRCh37 (hg19) VCF-style: chr14-105843105-G-C.
Other names: c.577G>C, p.Val193Leu (NM_001243127.3); c.802G>C, p.Val268Leu (NM_015197.4); short protein forms V193L, V268L.
Identifiers: ClinVar variation 4768620 (VCV004768620.1).
Genomic context (GRCh38, chr14:105,376,768, plus strand): 5'-CCCCCAGTGGGGCAATGTGGGCTGCTGCAGGGAACTCACGCGTGCCTGGCACCCGTGCAG[G>C]TCCTGGACTCGGAGCAGGACCCTGCGGAGCACATCCCCGAGGCAGAGGAGGACCTGGACC-3'
Protein context (NP_001094383.2, residues 258-278): LLRRFKVSDE[Val268Leu]LDSEQDPAEH